The following is an entry in ClinVar:

ClinVar aggregate classification (germline): Conflicting classifications of pathogenicity. Review status: criteria provided, conflicting classifications (1 of 4 stars). 2 submissions from 2 submitters: Uncertain significance (1); Likely benign (1). Last evaluated 2024-08-05.

Conditions:
Spastic paraplegia. Identifiers: MedGen C0037772, HP:0001258.

Allele frequency attached by ClinVar (database versions not stated): gnomAD exomes below 0.00001 and 0.00001; TOPMed below 0.00001.

Submissions (2):

Labcorp Genetics (formerly Invitae), Labcorp
Classification: Likely benign for Spastic paraplegia. Last evaluated: 2024-08-05. Review status: criteria provided, single submitter. Criteria: Invitae Variant Classification Sherloc (09022015). Collection method: clinical testing. Allele origin: germline.

GeneDx
Classification: Uncertain significance. Last evaluated: 2020-01-08. Review status: criteria provided, single submitter. Criteria: GeneDx Variant Classification Process June 2021. Collection method: clinical testing. Allele origin: germline. Affected: yes.
Comment: Has not been previously published as pathogenic or benign to our knowledge; Not observed at a significant frequency in large population cohorts (Lek et al., 2016); In silico analysis, which includes protein predictors and evolutionary conservation, supports that this variant does not alter protein structure/function

NM_004187.5(KDM5C):c.3020G>A (p.Arg1007His)

Gene: KDM5C (lysine demethylase 5C; minus strand). Cytogenetic location: Xp11.22.
Variant type: single nucleotide variant.
Coding change: c.3020G>A on transcript NM_004187.5 (MANE Select); coding-DNA position 3020, G replaced by A.
Protein change: p.Arg1007His; replaces arginine 1007 with histidine.
Molecular consequence: missense variant. On other transcripts: non-coding transcript variant (3).
Genome position (GRCh38, 1-based): chrX:53,196,016, C>T on the plus strand (G>A on the coding strand, the complement: KDM5C is on the minus strand). VCF-style: chrX-53196016-C-T. GRCh37 (hg19) VCF-style: chrX-53225198-C-T.
Other names: c.3017G>A, p.Arg1006His (NM_001353979.2, NM_001353982.2, NM_001282622.3); c.3020G>A, p.Arg1007His (NM_001353981.2, NM_001353984.2, NM_001353978.3); c.2819G>A, p.Arg940His (NM_001146702.2); short protein forms R1006H, R1007H, R940H.
Identifiers: ClinVar variation 1223483 (VCV001223483.8), dbSNP rs1556836492, ClinGen allele CA413111711.